The following is an entry in ClinVar:

NM_002691.4(POLD1):c.2545C>G (p.Arg849Gly)

Gene: POLD1 (DNA polymerase delta 1, catalytic subunit; plus strand). Cytogenetic location: 19q13.33.
Variant type: single nucleotide variant.
Coding change: c.2545C>G on transcript NM_002691.4 (MANE Select); coding-DNA position 2545, C replaced by G.
Protein change: p.Arg849Gly; replaces arginine 849 with glycine.
Molecular consequence: missense variant. On other transcripts: non-coding transcript variant (1).
Genome position (GRCh38, 1-based): chr19:50,414,971, C>G. VCF-style: chr19-50414971-C-G. GRCh37 (hg19) VCF-style: chr19-50918228-C-G.
Other names: c.2545C>G (NM_002691.2); c.2545C>G, p.Arg849Gly (NM_001256849.1); c.2623C>G, p.Arg875Gly (NM_001308632.1); short protein forms R849G, R875G.
Identifiers: ClinVar variation 2812646 (VCV002812646.4), dbSNP rs759987234, ClinGen allele CA406985220.
Genomic context (GRCh38, chr19:50,414,971, plus strand): 5'-CTGGAGGCCGTGCGCAGGGACAACTGCCCCCTCGTGGCCAACCTGGTCACTGCCTCACTG[C>G]GCCGCCTGCTCATCGACCGGTGTGTGGGGCCTCCTCCCTCAGACTCAGGGGGCTGGGCCC-3'
Protein context (NP_002682.2, residues 839-859): LVANLVTASL[Arg849Gly]RLLIDRDPEG

ClinVar aggregate classification (germline): Uncertain significance. Review status: criteria provided, multiple submitters, no conflicts (2 of 4 stars). 2 submissions from 2 submitters: Uncertain significance (2). Last evaluated 2024-11-30.

Conditions:
POLD1-related polyposis and colorectal cancer syndrome (CRCS10). Also called: Colorectal cancer 10; Colorectal cancer, susceptibility to, 10; COLORECTAL CANCER, SUSCEPTIBILITY TO, ON CHROMOSOME 19q. Identifiers: Orphanet 220460, MedGen C2675481, MONDO:0012953, OMIM 612591.
Hereditary cancer-predisposing syndrome. Also called: Tumor predisposition; Hereditary Cancer Syndrome; Hereditary neoplastic syndrome; Neoplastic Syndromes, Hereditary. Identifiers: Orphanet 140162, MedGen C0027672, MeSH D009386, MONDO:0015356.

Submissions (2):

Ambry Genetics
Classification: Uncertain significance for Hereditary cancer-predisposing syndrome. Last evaluated: 2024-11-30. Review status: criteria provided, single submitter. Criteria: Ambry Variant Classification Scheme 2023. Collection method: clinical testing. Allele origin: germline.
Comment: The p.R849G variant (also known as c.2545C>G), located in coding exon 19 of the POLD1 gene, results from a C to G substitution at nucleotide position 2545. The arginine at codon 849 is replaced by glycine, an amino acid with dissimilar properties. This amino acid position is conserved. In addition, this alteration is predicted to be tolerated by in silico analysis. Based on the available evidence, the clinical significance of this variant remains unclear.

Labcorp Genetics (formerly Invitae), Labcorp
Classification: Uncertain significance for POLD1-related polyposis and colorectal cancer syndrome. Last evaluated: 2022-11-07. Review status: criteria provided, single submitter. Criteria: Invitae Variant Classification Sherloc (09022015). Collection method: clinical testing. Allele origin: germline.
Comment: Advanced modeling of protein sequence and biophysical properties (such as structural, functional, and spatial information, amino acid conservation, physicochemical variation, residue mobility, and thermodynamic stability) performed at Invitae indicates that this missense variant is not expected to disrupt POLD1 protein function. In summary, the available evidence is currently insufficient to determine the role of this variant in disease. Therefore, it has been classified as a Variant of Uncertain Significance. This variant is not present in population databases (gnomAD no frequency). This variant has not been reported in the literature in individuals affected with POLD1-related conditions. This sequence change replaces arginine, which is basic and polar, with glycine, which is neutral and non-polar, at codon 849 of the POLD1 protein (p.Arg849Gly).